The following is an entry in ClinVar:

ClinVar aggregate classification (germline): Uncertain significance. Review status: criteria provided, multiple submitters, no conflicts (2 of 4 stars). 2 submissions from 2 submitters: Uncertain significance (2). Last evaluated 2025-09-07.

Conditions:
Hereditary cancer-predisposing syndrome. Also called: Hereditary neoplastic syndrome; Neoplastic Syndromes, Hereditary; Hereditary Cancer Syndrome; Tumor predisposition. Identifiers: Orphanet 140162, MedGen C0027672, MeSH D009386, MONDO:0015356.
Neuroblastoma, susceptibility to, 3. Also called: ALK-Related Neuroblastic Tumor Susceptibility. Identifiers: Orphanet 635, MedGen C2751681, MONDO:0013083, OMIM 613014.

Allele frequency attached by ClinVar (database versions not stated): gnomAD exomes below 0.00001; gnomAD 0.00001; TOPMed 0.00002.
gnomAD v4.1: 3 of 1,613,808 alleles (0.00019%); highest among the groups gnomAD compares: African/African-American, 0.004%; no homozygotes.

Submissions (2):

Labcorp Genetics (formerly Invitae), Labcorp
Classification: Uncertain significance for Neuroblastoma, susceptibility to, 3. Last evaluated: 2025-09-07. Review status: criteria provided, single submitter. Criteria: Invitae Variant Classification Sherloc (09022015). Collection method: clinical testing. Allele origin: germline.
Comment: This sequence change replaces aspartic acid, which is acidic and polar, with valine, which is neutral and non-polar, at codon 508 of the ALK protein (p.Asp508Val). This variant is present in population databases (no rsID available, gnomAD 0.007%). This variant has not been reported in the literature in individuals affected with ALK-related conditions. ClinVar contains an entry for this variant (Variation ID: 1417233). An algorithm developed to predict the effect of missense changes on protein structure and function (PolyPhen-2) suggests that this variant is likely to be disruptive. In summary, the available evidence is currently insufficient to determine the role of this variant in disease. Therefore, it has been classified as a Variant of Uncertain Significance.

Ambry Genetics
Classification: Uncertain significance for Hereditary cancer-predisposing syndrome. Last evaluated: 2024-04-05. Review status: criteria provided, single submitter. Criteria: Ambry Variant Classification Scheme 2023. Collection method: clinical testing. Allele origin: germline.
Comment: The p.D508V variant (also known as c.1523A>T), located in coding exon 7 of the ALK gene, results from an A to T substitution at nucleotide position 1523. The aspartic acid at codon 508 is replaced by valine, an amino acid with highly dissimilar properties. This amino acid position is conserved. In addition, this alteration is predicted to be tolerated by in silico analysis. Based on the available evidence, the clinical significance of this variant remains unclear.

NM_004304.5(ALK):c.1523A>T (p.Asp508Val)

Gene: ALK (ALK receptor tyrosine kinase; minus strand). Cytogenetic location: 2p23.2.
Variant type: single nucleotide variant.
Coding change: c.1523A>T on transcript NM_004304.5 (MANE Select); coding-DNA position 1523, A replaced by T.
Protein change: p.Asp508Val; replaces aspartic acid 508 with valine.
Molecular consequence: missense variant.
Genome position (GRCh38, 1-based): chr2:29,320,774, T>A on the plus strand (A>T on the coding strand, the complement: ALK is on the minus strand). VCF-style: chr2-29320774-T-A. GRCh37 (hg19) VCF-style: chr2-29543640-T-A.
Other names: c.1523A>T (NM_004304.4); short protein forms D508V.
Identifiers: ClinVar variation 1417233 (VCV001417233.7), dbSNP rs995433670, ClinGen allele CA44660622.